The following is an entry in ClinVar:

ClinVar aggregate classification (germline): Likely benign (0 of 4 stars; one submission).

Conditions:
SELENBP1-related disorder. Also called: SELENBP1-related condition.

Allele frequency attached by ClinVar (database versions not stated): gnomAD exomes 0.00003; TOPMed 0.00004; ExAC 0.00005; gnomAD 0.00006; ESP Exome Variant Server 0.00015.
gnomAD v4.1: 49 of 1,614,062 alleles (0.003%); highest among the groups gnomAD compares: Non-Finnish European, 0.0042%; no homozygotes.

Submission:

PreventionGenetics, part of Exact Sciences
Classification: Likely benign for SELENBP1-related condition. Last evaluated: 2020-02-04. Review status: no assertion criteria provided. Collection method: clinical testing. Allele origin: germline.
Comment: This variant is classified as likely benign based on ACMG/AMP sequence variant interpretation guidelines (Richards et al. 2015 PMID: 25741868, with internal and published modifications).

NM_003944.4(SELENBP1):c.759C>A (p.Ile253=)

Gene: SELENBP1 (selenium binding protein 1; minus strand). Cytogenetic location: 1q21.3.
Variant type: single nucleotide variant.
Coding change: c.759C>A on transcript NM_003944.4 (MANE Select); coding-DNA position 759, C replaced by A.
Protein change: p.Ile253=; no amino-acid change (isoleucine 253 retained).
Molecular consequence: synonymous variant.
Genome position (GRCh38, 1-based): chr1:151,366,359, G>T on the plus strand (C>A on the coding strand, the complement: SELENBP1 is on the minus strand). VCF-style: chr1-151366359-G-T. GRCh37 (hg19) VCF-style: chr1-151338835-G-T.
Other names: c.573C>A, p.Ile191= (NM_001258288.2); c.885C>A, p.Ile295= (NM_001258289.2).
Identifiers: ClinVar variation 3051562 (VCV003051562.2), dbSNP rs146240164, ClinGen allele CA1090233.